The following is an entry in ClinVar:

ClinVar aggregate classification (germline): Uncertain significance (1 of 4 stars; one submission).

Conditions:
Charcot-Marie-Tooth disease type 2E (CMT2E). Also called: CHARCOT-MARIE-TOOTH DISEASE, AXONAL, TYPE 2E; CHARCOT-MARIE-TOOTH NEUROPATHY, TYPE 2E. Identifiers: Orphanet 99939, MedGen C1843225, MONDO:0011894, OMIM 607684.

Submission:

Labcorp Genetics (formerly Invitae), Labcorp
Classification: Uncertain significance for Charcot-Marie-Tooth disease type 2E. Last evaluated: 2023-12-30. Review status: criteria provided, single submitter. Criteria: Invitae Variant Classification Sherloc (09022015). Collection method: clinical testing. Allele origin: germline.
Comment: This sequence change replaces leucine, which is neutral and non-polar, with arginine, which is basic and polar, at codon 122 of the NEFL protein (p.Leu122Arg). This variant is not present in population databases (gnomAD no frequency). This variant has not been reported in the literature in individuals affected with NEFL-related conditions. Advanced modeling of protein sequence and biophysical properties (such as structural, functional, and spatial information, amino acid conservation, physicochemical variation, residue mobility, and thermodynamic stability) has been performed at Invitae for this missense variant, however the output from this modeling did not meet the statistical confidence thresholds required to predict the impact of this variant on NEFL protein function. In summary, the available evidence is currently insufficient to determine the role of this variant in disease. Therefore, it has been classified as a Variant of Uncertain Significance.

NM_006158.5(NEFL):c.365T>G (p.Leu122Arg)

Gene: NEFL (neurofilament light chain; minus strand). Cytogenetic location: 8p21.2.
Variant type: single nucleotide variant.
Coding change: c.365T>G on transcript NM_006158.5 (MANE Select); coding-DNA position 365, T replaced by G.
Protein change: p.Leu122Arg; replaces leucine 122 with arginine.
Molecular consequence: missense variant.
Genome position (GRCh38, 1-based): chr8:24,956,151, A>C on the plus strand (T>G on the coding strand, the complement: NEFL is on the minus strand). VCF-style: chr8-24956151-A-C. GRCh37 (hg19) VCF-style: chr8-24813665-A-C.
Other names: short protein forms L122R.
Identifiers: ClinVar variation 2956992 (VCV002956992.3), dbSNP rs2486887692, ClinGen allele CA370622642.